The following is an entry in ClinVar:

NM_001377540.1(SLMAP):c.2092G>A (p.Val698Ile)

Gene: SLMAP (sarcolemma associated protein; plus strand). Cytogenetic location: 3p14.3.
Variant type: single nucleotide variant.
Coding change: c.2092G>A on transcript NM_001377540.1 (MANE Select); coding-DNA position 2092, G replaced by A.
Protein change: p.Val698Ile; replaces valine 698 with isoleucine.
Molecular consequence: missense variant. On other transcripts: non-coding transcript variant (1).
Genome position (GRCh38, 1-based): chr3:57,913,229, G>A. VCF-style: chr3-57913229-G-A. GRCh37 (hg19) VCF-style: chr3-57898956-G-A.
Other names: c.2041G>A, p.Val681Ile (NM_001377542.1, NM_001304420.3, NM_001377541.1); c.2029G>A, p.Val677Ile (NM_001377545.1); c.1990G>A, p.Val664Ile (NM_001377549.1, NM_007159.5); c.1978G>A, p.Val660Ile (NM_001377551.1, NM_001377552.1); c.1969G>A, p.Val657Ile (NM_001377555.1); c.1927G>A, p.Val643Ile (NM_001377557.1, NM_001377559.1, NM_001304421.2); c.1918G>A, p.Val640Ile (NM_001377562.1, NM_001377921.1); c.643G>A, p.Val215Ile (NM_001304422.3, NM_001311178.2); and 8 more; short protein forms V619I, V643I, V657I, V660I, V664I, V705I, V174I, V215I.
Identifiers: ClinVar variation 5029681 (VCV005029681.1).

ClinVar aggregate classification (germline): Uncertain significance (1 of 4 stars; one submission).

Submission:

Ambry Genetics
Classification: Uncertain significance. Last evaluated: 2026-06-22. Review status: criteria provided, single submitter. Criteria: Ambry Variant Classification Scheme 2023. Collection method: clinical testing. Allele origin: germline.
Comment: The p.V664I variant (also known as c.1990G>A), located in coding exon 18 of the SLMAP gene, results from a G to A substitution at nucleotide position 1990. The valine at codon 664 is replaced by isoleucine, an amino acid with highly similar properties. This amino acid position is conserved. In addition, this alteration is predicted to be tolerated by in silico analysis. Based on the available evidence, the clinical significance of this variant remains unclear.